The following is an entry in ClinVar:

ClinVar aggregate classification (germline): Pathogenic (1 of 4 stars; one submission).

Conditions:
Cornelia de Lange syndrome 1 (CDLS1). Also called: Brachmann de Lange syndrome; NIPBL-Related Cornelia de Lange Syndrome; TYPUS DEGENERATIVUS AMSTELODAMENSIS. Identifiers: Orphanet 199, MedGen C4551851, MONDO:0007387, OMIM 122470.

Submission:

Labcorp Genetics (formerly Invitae), Labcorp
Classification: Pathogenic for Cornelia de Lange syndrome 1. Last evaluated: 2022-12-25. Review status: criteria provided, single submitter. Criteria: Invitae Variant Classification Sherloc (09022015). Collection method: clinical testing. Allele origin: unknown.
Comment: For these reasons, this variant has been classified as Pathogenic. A similar copy number variant has been observed in individual(s) with Cornelia de Lange syndrome (PMID: 24689074, 36093091; Invitae). This variant is a gross deletion of the genomic region encompassing exon(s) 46-47 of the NIPBL gene, which includes the termination codon. This deletion extends beyond the assayed region for this gene and therefore may encompass additional genes. While this deletion is not anticipated to lead to nonsense mediated decay, it is expected to alter mRNA translation or result in a truncated protein product.

Literature cited by the submitters: PubMed 24689074; PubMed 36093091.

NC_000005.9:g.(?_37063872)_(37108593_?)del

Genes: CPLANE1 (ciliogenesis and planar polarity effector complex subunit 1; minus strand), NIPBL (NIPBL cohesin loading factor; plus strand). Cytogenetic location: 5p13.2.
Variant type: Deletion.
Identifiers: ClinVar variation 3246415 (VCV003246415.1).